The following is an entry in ClinVar:

ClinVar aggregate classification (germline): Uncertain significance (1 of 4 stars; one submission).

Allele frequency attached by ClinVar (database versions not stated): gnomAD exomes below 0.00001; gnomAD 0.00001; TOPMed 0.00002.
gnomAD v4.1: 14 of 1,611,812 alleles (0.00087%); highest among the groups gnomAD compares: African/African-American, 0.0067%; no homozygotes.

Submission:

Labcorp Genetics (formerly Invitae), Labcorp
Classification: Uncertain significance. Last evaluated: 2022-07-19. Review status: criteria provided, single submitter. Criteria: Invitae Variant Classification Sherloc (09022015). Collection method: clinical testing. Allele origin: germline.
Comment: This sequence change falls in intron 15 of the AEBP1 gene. It does not directly change the encoded amino acid sequence of the AEBP1 protein. It affects a nucleotide within the consensus splice site. This variant is not present in population databases (gnomAD no frequency). This variant has not been reported in the literature in individuals affected with AEBP1-related conditions. ClinVar contains an entry for this variant (Variation ID: 1390283). Variants that disrupt the consensus splice site are a relatively common cause of aberrant splicing (PMID: 17576681, 9536098). Algorithms developed to predict the effect of sequence changes on RNA splicing suggest that this variant is not likely to affect RNA splicing. In summary, the available evidence is currently insufficient to determine the role of this variant in disease. Therefore, it has been classified as a Variant of Uncertain Significance.

Literature cited by the submitters: PubMed 17576681; PubMed 9536098.

NM_001129.5(AEBP1):c.1841-3C>T

Gene: AEBP1 (AE binding protein 1; plus strand). Cytogenetic location: 7p13.
Variant type: single nucleotide variant.
Coding change: c.1841-3C>T on transcript NM_001129.5 (MANE Select); 3 bases into the intron before coding-DNA position 1841, C replaced by T.
Molecular consequence: intron variant.
Genome position (GRCh38, 1-based): chr7:44,111,851, C>T. VCF-style: chr7-44111851-C-T. GRCh37 (hg19) VCF-style: chr7-44151450-C-T.
Identifiers: ClinVar variation 1390283 (VCV001390283.3), dbSNP rs374243920, ClinGen allele CA157881577.